The following is an entry in ClinVar:

ClinVar aggregate classification (germline): Uncertain significance. Review status: criteria provided, multiple submitters, no conflicts (2 of 4 stars). 2 submissions from 2 submitters: Uncertain significance (2). Last evaluated 2025-11-02.

Conditions:
Myofibrillar myopathy 5. Also called: FILAMINOPATHY, AUTOSOMAL DOMINANT; Filaminopathy (type). Identifiers: Orphanet 171445, MedGen C1836050, MONDO:0012289, OMIM 609524.
Hypertrophic cardiomyopathy 26. Also called: Cardiomyopathy, familial hypertrophic, 26. Identifiers: Orphanet 75249, MedGen C4310749, MONDO:0014883, OMIM 617047.
Distal myopathy with posterior leg and anterior hand involvement. Also called: WILLIAMS DISTAL MYOPATHY. Identifiers: Orphanet 63273, MedGen C3279722, MONDO:0013550, OMIM 614065.

Allele frequency attached by ClinVar (database versions not stated): gnomAD exomes below 0.00001.
gnomAD v4.1: 4 of 1,613,154 alleles (0.00025%); highest among the groups gnomAD compares: Non-Finnish European, 0.00034%; no homozygotes.

Submissions (2):

Labcorp Genetics (formerly Invitae), Labcorp
Classification: Uncertain significance for Distal myopathy with posterior leg and anterior hand involvement; Myofibrillar myopathy 5; Hypertrophic cardiomyopathy 26. Last evaluated: 2025-11-02. Review status: criteria provided, single submitter. Criteria: Invitae Variant Classification Sherloc (09022015). Collection method: clinical testing. Allele origin: germline.
Comment: This sequence change replaces arginine, which is basic and polar, with cysteine, which is neutral and slightly polar, at codon 81 of the FLNC protein (p.Arg81Cys). This variant is not present in population databases (gnomAD no frequency). This missense change has been observed in individual(s) with frontotemporal dementia (FTD) (PMID: 26555887). ClinVar contains an entry for this variant (Variation ID: 949143). Invitae Evidence Modeling of protein sequence and biophysical properties (such as structural, functional, and spatial information, amino acid conservation, physicochemical variation, residue mobility, and thermodynamic stability) has been performed for this missense variant. However, the output from this modeling did not meet the statistical confidence thresholds required to predict the impact of this variant on FLNC protein function. In summary, the available evidence is currently insufficient to determine the role of this variant in disease. Therefore, it has been classified as a Variant of Uncertain Significance.

Revvity Omics, Revvity
Classification: Uncertain significance. Last evaluated: 2023-04-06. Review status: criteria provided, single submitter. Criteria: ACMG Guidelines, 2015. Collection method: clinical testing. Allele origin: germline.

Literature cited by the submitters: PubMed 26555887 (cited by Labcorp Genetics (formerly Invitae), Labcorp).

NM_001458.5(FLNC):c.241C>T (p.Arg81Cys)

Gene: FLNC (filamin C; plus strand). Cytogenetic location: 7q32.1.
Variant type: single nucleotide variant.
Coding change: c.241C>T on transcript NM_001458.5 (MANE Select); coding-DNA position 241, C replaced by T.
Protein change: p.Arg81Cys; replaces arginine 81 with cysteine.
Molecular consequence: missense variant.
Genome position (GRCh38, 1-based): chr7:128,830,878, C>T. VCF-style: chr7-128830878-C-T. GRCh37 (hg19) VCF-style: chr7-128470932-C-T.
Other names: c.241C>T, p.Arg81Cys (NM_001127487.2); short protein forms R81C.
Identifiers: ClinVar variation 949143 (VCV000949143.12), dbSNP rs1374458008, ClinGen allele CA369216569.